The following is an entry in ClinVar:

NM_001791.4(CDC42):c.203G>A (p.Arg68Gln)

Gene: CDC42 (cell division cycle 42; plus strand). Cytogenetic location: 1p36.12.
Variant type: single nucleotide variant.
Coding change: c.203G>A on transcript NM_001791.4 (MANE Select); coding-DNA position 203, G replaced by A.
Protein change: p.Arg68Gln; replaces arginine 68 with glutamine.
Molecular consequence: missense variant.
Genome position (GRCh38, 1-based): chr1:22,086,463, G>A. VCF-style: chr1-22086463-G-A. GRCh37 (hg19) VCF-style: chr1-22412956-G-A.
Other names: c.203G>A, p.Arg68Gln (NM_001039802.2, NM_044472.3); short protein forms R68Q.
Identifiers: ClinVar variation 450370 (VCV000450370.12), dbSNP rs1553196096, ClinGen allele CA338906652.
Genomic context (GRCh38, chr1:22,086,463, plus strand): 5'-TTGCTGAATTCTCTCCAATATTTTTCTTTTTTCTAGGGCAAGAGGATTATGACAGATTAC[G>A]ACCGCTGAGTTATCCACAAACAGATGTATTTCTAGTCTGTTTTTCAGTGGTCTCTCCATC-3'
Protein context (NP_001782.1, residues 58-78): TAGQEDYDRL[Arg68Gln]PLSYPQTDVF

ClinVar aggregate classification (germline): Pathogenic. Review status: criteria provided, multiple submitters, no conflicts (2 of 4 stars). 6 submissions from 6 submitters: Pathogenic (5). 1 of the submissions does not count toward it. Last evaluated 2024-10-15.

Conditions:
CDC42-related disorder. Also called: CDC42-related disorders; CDC42-related condition.
Takenouchi-Kosaki syndrome. Also called: MACROTHROMBOCYTOPENIA AND MENTAL RETARDATION SYNDROME; Macrothrombocytopenia-lymphedema-developmental delay-facial dysmorphism-camptodactyly syndrome. Identifiers: Orphanet 487796, MedGen C4225222, MONDO:0014757, OMIM 616737.
Neurodevelopmental abnormality. Identifiers: MedGen C4022737, HP:0012759.
Postnatal growth retardation. Identifiers: MedGen C1859778, HP:0008897.
Abnormality of blood and blood-forming tissues. Identifiers: MedGen C0850715, HP:0001871.
Abnormality of the immune system. Identifiers: MedGen C4021753, HP:0002715.
Abnormal facial shape. Also called: Dysmorphic facies; Dysmorphic facial features. Identifiers: MedGen C0424503, HP:0001999.

Submissions (6):

GeneDx
Classification: Pathogenic. Last evaluated: 2024-10-15. Review status: criteria provided, single submitter. Criteria: GeneDx Variant Classification Process June 2021. Collection method: clinical testing. Allele origin: germline. Affected: yes.
Comment: Published functional studies demonstrate a damaging effect as p.(R68Q) significantly affected protein function and protein-protein interactions (PMID: 29394990); Not observed at significant frequency in large population cohorts (gnomAD); In silico analysis supports that this missense variant has a deleterious effect on protein structure/function; This variant is associated with the following publications: (PMID: 36939041, 29394990)

Blueprint Genetics
Classification: Pathogenic for CDC42-related disorders. Last evaluated: 2024-10-01. Review status: criteria provided, single submitter. Criteria: ACMG Guidelines, 2015. Collection method: clinical testing. Allele origin: de novo. Affected: yes. Observed: 3 variant alleles.

Labcorp Genetics (formerly Invitae), Labcorp
Classification: Pathogenic. Last evaluated: 2024-07-19. Review status: criteria provided, single submitter. Criteria: Invitae Variant Classification Sherloc (09022015). Collection method: clinical testing. Allele origin: germline.
Comment: This sequence change replaces arginine, which is basic and polar, with glutamine, which is neutral and polar, at codon 68 of the CDC42 protein (p.Arg68Gln). This variant is not present in population databases (gnomAD no frequency). This missense change has been observed in individual(s) with clinical features of CDC42-related conditions (PMID: 29394990). In at least one individual the variant was observed to be de novo. ClinVar contains an entry for this variant (Variation ID: 450370). An algorithm developed to predict the effect of missense changes on protein structure and function (PolyPhen-2) suggests that this variant is likely to be tolerated. Experimental studies have shown that this missense change affects CDC42 function (PMID: 29394990). For these reasons, this variant has been classified as Pathogenic.

Baylor Genetics
Classification: Pathogenic for Takenouchi-Kosaki syndrome. Last evaluated: 2020-05-21. Review status: criteria provided, single submitter. Criteria: ACMG Guidelines, 2015. Collection method: clinical testing. Allele origin: unknown. Affected: yes.
Comment: This variant was determined to be pathogenic according to ACMG Guidelines, 2015 [PMID:25741868].

Tartaglia Lab, Genetics and Rare Diseases Research Division, Bambino Gesu' Children's Hospital
Classification: Pathogenic. Last evaluated: 2017-11-01. Review status: criteria provided, single submitter. Criteria: ACMG Guidelines, 2015. Collection method: research. Allele origin: de novo. Affected: yes.

University of Washington Center for Mendelian Genomics, University of Washington
Classification: Likely pathogenic for Postnatal growth retardation; Abnormal facial shape; Neurodevelopmental abnormality; Abnormality of the immune system; Abnormality of blood and blood-forming tissues. Review status: no assertion criteria provided. Collection method: research. Allele origin: de novo. Affected: yes. Not counted in ClinVar's aggregate classification.

Literature cited by the submitters: PubMed 29394990 (cited by Labcorp Genetics (formerly Invitae), Labcorp and University of Washington Center for Mendelian Genomics, University of Washington).